The following is an entry in ClinVar:

NM_001242868.2(SLAIN1):c.1376A>C (p.His459Pro)

Gene: SLAIN1 (SLAIN motif family member 1; plus strand). Cytogenetic location: 13q22.3.
Variant type: single nucleotide variant.
Coding change: c.1376A>C on transcript NM_001242868.2 (MANE Select); coding-DNA position 1376, A replaced by C.
Protein change: p.His459Pro; replaces histidine 459 with proline.
Molecular consequence: missense variant.
Genome position (GRCh38, 1-based): chr13:77,753,320, A>C. VCF-style: chr13-77753320-A-C. GRCh37 (hg19) VCF-style: chr13-78327455-A-C.
Other names: c.884A>C, p.His295Pro (NM_001040153.4); c.179A>C, p.His60Pro (NM_001242869.2, NM_001242870.2); c.518A>C, p.His173Pro (NM_001242871.2); c.1034A>C, p.His345Pro (NM_001366665.1); c.521A>C, p.His174Pro (NM_001366666.1, NM_144595.4); c.1526A>C, p.His509Pro (NM_001411026.1); c.1379A>C, p.His460Pro (NM_001412123.1); c.1529A>C, p.His510Pro (NM_001412125.1); short protein forms H173P, H174P, H295P, H345P, H459P, H460P, H509P, H510P.
Identifiers: ClinVar variation 3051561 (VCV003051561.2), dbSNP rs148135081, ClinGen allele CA7011990.

ClinVar aggregate classification (germline): Likely benign (0 of 4 stars; one submission).

Conditions:
SLAIN1-related disorder. Also called: SLAIN1-related condition.

Allele frequency attached by ClinVar (database versions not stated): ESP Exome Variant Server 0.00015; TOPMed 0.00070; 1000 Genomes Project 0.00080; 1000 Genomes Project 30x 0.00094.
gnomAD v4.1: 453 of 1,611,434 alleles (0.028%); highest among the groups gnomAD compares: Middle Eastern, 0.18%; no homozygotes.

Submission:

PreventionGenetics, part of Exact Sciences
Classification: Likely benign for SLAIN1-related condition. Last evaluated: 2023-06-14. Review status: no assertion criteria provided. Collection method: clinical testing. Allele origin: germline.
Comment: This variant is classified as likely benign based on ACMG/AMP sequence variant interpretation guidelines (Richards et al. 2015 PMID: 25741868, with internal and published modifications).